The following is an entry in ClinVar:

ClinVar aggregate classification (germline): Uncertain significance. Review status: criteria provided, multiple submitters, no conflicts (2 of 4 stars). 3 submissions from 3 submitters: Uncertain significance (3). Last evaluated 2026-04-30.

Conditions:
Familial cancer of breast. Also called: BREAST CANCER, FAMILIAL; Hereditary breast cancer; hereditary breast carcinoma. Identifiers: Orphanet 227535, MedGen C0346153, MONDO:0016419, OMIM 114480. Disease mechanism: loss of function.
Hereditary cancer-predisposing syndrome. Also called: Neoplastic Syndromes, Hereditary; Hereditary Cancer Syndrome; Tumor predisposition; Hereditary neoplastic syndrome. Identifiers: Orphanet 140162, MedGen C0027672, MeSH D009386, MONDO:0015356.

Allele frequency attached by ClinVar (database versions not stated): gnomAD exomes below 0.00001; TOPMed below 0.00001; gnomAD 0.00001.
gnomAD v4.1: 2 of 1,601,872 alleles (0.00012%); highest among the groups gnomAD compares: African/African-American, 0.0013%; no homozygotes.

Submissions (3):

Ambry Genetics
Classification: Uncertain significance for Hereditary cancer-predisposing syndrome. Last evaluated: 2026-04-30. Review status: criteria provided, single submitter. Criteria: Ambry Variant Classification Scheme 2023. Collection method: clinical testing. Allele origin: germline.
Comment: The p.P425S variant (also known as c.1273C>T), located in coding exon 11 of the CHEK2 gene, results from a C to T substitution at nucleotide position 1273. The proline at codon 425 is replaced by serine, an amino acid with similar properties. This amino acid position is highly conserved in available vertebrate species. In addition, the in silico prediction for this alteration is inconclusive. In silico splice site analysis predicts that this alteration will not have any significant effect on splicing; however, direct evidence is insufficient at this time (Ambry internal data). Based on the available evidence, the clinical significance of this variant remains unclear.

Blueprint Genetics
Classification: Uncertain significance. Last evaluated: 2023-10-26. Review status: criteria provided, single submitter. Criteria: ACMG Guidelines, 2015. Collection method: clinical testing. Allele origin: germline.

Labcorp Genetics (formerly Invitae), Labcorp
Classification: Uncertain significance for Familial cancer of breast. Last evaluated: 2022-08-03. Review status: criteria provided, single submitter. Criteria: Invitae Variant Classification Sherloc (09022015). Collection method: clinical testing. Allele origin: germline.
Comment: This sequence change replaces proline, which is neutral and non-polar, with serine, which is neutral and polar, at codon 425 of the CHEK2 protein (p.Pro425Ser). This variant is not present in population databases (gnomAD no frequency). This variant has not been reported in the literature in individuals affected with CHEK2-related conditions. ClinVar contains an entry for this variant (Variation ID: 663553). Algorithms developed to predict the effect of missense changes on protein structure and function are either unavailable or do not agree on the potential impact of this missense change (SIFT: "Deleterious"; PolyPhen-2: "Probably Damaging"; Align-GVGD: "Class C0"). In summary, the available evidence is currently insufficient to determine the role of this variant in disease. Therefore, it has been classified as a Variant of Uncertain Significance.

NM_007194.4(CHEK2):c.1273C>T (p.Pro425Ser)

Gene: CHEK2 (checkpoint kinase 2; minus strand). Cytogenetic location: 22q12.1.
Variant type: single nucleotide variant.
Coding change: c.1273C>T on transcript NM_007194.4 (MANE Select); coding-DNA position 1273, C replaced by T.
Protein change: p.Pro425Ser; replaces proline 425 with serine.
Molecular consequence: missense variant.
Genome position (GRCh38, 1-based): chr22:28,695,229, G>A on the plus strand (C>T on the coding strand, the complement: CHEK2 is on the minus strand). VCF-style: chr22-28695229-G-A. GRCh37 (hg19) VCF-style: chr22-29091217-G-A.
Other names: c.1402C>T, p.Pro468Ser (NM_001005735.3); c.610C>T, p.Pro204Ser (NM_001257387.3); c.1072C>T, p.Pro358Ser (NM_001349956.3); c.1186C>T, p.Pro396Ser (NM_145862.3); short protein forms P204S, P468S, P358S, P396S, P425S.
Identifiers: ClinVar variation 663553 (VCV000663553.15), dbSNP rs1423670346, ClinGen allele CA411096294.